The following is an entry in ClinVar:

NM_001009944.3(PKD1):c.8146A>G (p.Ile2716Val)

Gene: PKD1 (polycystin 1, transient receptor potential channel interacting; minus strand). Cytogenetic location: 16p13.3.
Variant type: single nucleotide variant.
Coding change: c.8146A>G on transcript NM_001009944.3 (MANE Select); coding-DNA position 8146, A replaced by G.
Protein change: p.Ile2716Val; replaces isoleucine 2716 with valine.
Molecular consequence: missense variant.
Genome position (GRCh38, 1-based): chr16:2,104,513, T>C on the plus strand (A>G on the coding strand, the complement: PKD1 is on the minus strand). VCF-style: chr16-2104513-T-C. GRCh37 (hg19) VCF-style: chr16-2154514-T-C.
Other names: c.8146A>G, p.Ile2716Val (NM_000296.4); short protein forms I2716V.
Identifiers: ClinVar variation 997117 (VCV000997117.3), dbSNP rs1353004865, ClinGen allele CA394365318.

ClinVar aggregate classification (germline): Conflicting classifications of pathogenicity. Review status: criteria provided, conflicting classifications (1 of 4 stars). 3 submissions from 3 submitters: Uncertain significance (1); Likely benign (1). 1 of the submissions does not count toward it. Last evaluated 2023-07-26.

Conditions:
Polycystic kidney disease. Also called: Kidney, Polycystic; Polycystic kidney dysplasia. Identifiers: MedGen C0022680, MeSH D007690, MONDO:0020642, HP:0000113.
Polycystic kidney disease, adult type (PKD1). Also called: Polycystic Kidney Disease 1, Autosomal Dominant; Polycystic kidney disease 1; Polycystic kidney disease 1, severe; POLYCYSTIC KIDNEY DISEASE 1 WITH OR WITHOUT POLYCYSTIC LIVER DISEASE; POLYCYSTIC KIDNEY DISEASE, ADULT, TYPE I; Polycystic Kidney, Autosomal Dominant. Identifiers: MedGen C3149841, MONDO:0008263, OMIM 173900.

Allele frequency attached by ClinVar (database versions not stated): gnomAD exomes 0.00001 and 0.00003; gnomAD 0.00006.
gnomAD v4.1: 22 of 1,543,442 alleles (0.0014%); highest among the groups gnomAD compares: Admixed American, 0.025%; no homozygotes.

Submissions (3):

Blueprint Genetics
Classification: Likely benign. Last evaluated: 2023-07-26. Review status: criteria provided, single submitter. Criteria: ACMG Guidelines, 2015. Collection method: clinical testing. Allele origin: germline.

Fulgent Genetics
Classification: Uncertain significance for Polycystic kidney disease, adult type. Last evaluated: 2021-11-04. Review status: criteria provided, single submitter. Criteria: ACMG Guidelines, 2015. Collection method: clinical testing. Allele origin: unknown.

Department of Pathology and Laboratory Medicine, Sinai Health System
Classification: Uncertain significance for Polycystic Kidney disease. Review status: no assertion criteria provided. Collection method: clinical testing. Allele origin: unknown. Affected: yes. Study: The Canadian Open Genetics Repository (COGR). Not counted in ClinVar's aggregate classification.
Comment: The PKD1 p.Ile2716Val variant was not identified in the literature nor was it identified in the dbSNP, ClinVar, LOVD 3.0, ADPKD Mutation Database, or PKD1-LOVD, databases. The variant was identified in control databases in 5 of 147200 chromosomes at a frequency of 0.00003 (Genome Aggregation Database Feb 27, 2017). The variant was observed in the following populations: Latino in 4 of 24508 chromosomes (freq: 0.0002), European in 1 of 57092 chromosomes (freq: 0.00002), while the variant was not observed in the African, Other, Ashkenazi Jewish, East Asian, Finnish, and South Asian populations. In addition we cannot be certain that data from control databases is specific to PKD1 and not from one of the six PKD1 pseudogenes. The p.Ile2716 residue is conserved in mammals and computational analyses (PolyPhen-2, SIFT, AlignGVGD, BLOSUM, MutationTaster) provide inconsistent predictions regarding the impact to the protein; this information is not very predictive of pathogenicity. The variant occurs outside of the splicing consensus sequence and in silico or computational prediction software programs (SpliceSiteFinder, MaxEntScan, NNSPLICE, GeneSplicer) do not predict a difference in splicing. In summary, based on the above information the clinical significance of this variant cannot be determined with certainty at this time. This variant is classified as a variant of uncertain significance.